The following is an entry in ClinVar:

ClinVar aggregate classification (germline): Conflicting classifications of pathogenicity. Review status: criteria provided, conflicting classifications (1 of 4 stars). 2 submissions from 2 submitters: Uncertain significance (1); Likely benign (1). Last evaluated 2024-09-20.

Conditions:
Wiedemann-Steiner syndrome (WDSTS). Also called: Growth deficiency and mental retardation with facial dysmorphism. Identifiers: Orphanet 319182, MedGen C1854630, MONDO:0011518, OMIM 605130.

Submissions (2):

3billion
Classification: Likely benign for Wiedemann-Steiner syndrome. Last evaluated: 2024-09-20. Review status: criteria provided, single submitter. Criteria: ACMG Guidelines, 2015. Collection method: clinical testing. Allele origin: germline. Affected: no.
Comment: The variant was identified in at least one patient who was diagnosed with a different variant in another gene and showed no symptoms related to the gene containing the variant in question.

Labcorp Genetics (formerly Invitae), Labcorp
Classification: Uncertain significance. Last evaluated: 2023-06-27. Review status: criteria provided, single submitter. Criteria: Invitae Variant Classification Sherloc (09022015). Collection method: clinical testing. Allele origin: germline.
Comment: In summary, the available evidence is currently insufficient to determine the role of this variant in disease. Therefore, it has been classified as a Variant of Uncertain Significance. Advanced modeling of protein sequence and biophysical properties (such as structural, functional, and spatial information, amino acid conservation, physicochemical variation, residue mobility, and thermodynamic stability) performed at Invitae indicates that this missense variant is not expected to disrupt KMT2A protein function. This variant has not been reported in the literature in individuals affected with KMT2A-related conditions. This variant is not present in population databases (gnomAD no frequency). This sequence change replaces isoleucine, which is neutral and non-polar, with valine, which is neutral and non-polar, at codon 3572 of the KMT2A protein (p.Ile3572Val).

NM_001197104.2(KMT2A):c.10714A>G (p.Ile3572Val)

Gene: KMT2A (lysine methyltransferase 2A; plus strand). Cytogenetic location: 11q23.3.
Variant type: single nucleotide variant.
Coding change: c.10714A>G on transcript NM_001197104.2 (MANE Select); coding-DNA position 10714, A replaced by G.
Protein change: p.Ile3572Val; replaces isoleucine 3572 with valine.
Molecular consequence: missense variant.
Genome position (GRCh38, 1-based): chr11:118,506,606, A>G. VCF-style: chr11-118506606-A-G. GRCh37 (hg19) VCF-style: chr11-118377321-A-G.
Other names: c.10804A>G, p.Ile3602Val (NM_001412597.1); c.10705A>G, p.Ile3569Val (NM_005933.4); short protein forms I3569V, I3572V, I3602V.
Identifiers: ClinVar variation 3009136 (VCV003009136.4), dbSNP rs2497033680, ClinGen allele CA382826925.